The following is an entry in ClinVar:

NM_032043.3(BRIP1):c.409_410del (p.Lys137fs)

Gene: BRIP1 (BRCA1 interacting DNA helicase 1; minus strand). Cytogenetic location: 17q23.2.
Variant type: Deletion.
Coding change: c.409_410del on transcript NM_032043.3 (MANE Select); coding-DNA positions 409 to 410, 2 bases deleted (AA; older notation c.409_410delAA).
Protein change: p.Lys137fs; shifts the reading frame from lysine 137.
Molecular consequence: frameshift variant.
Genome position (GRCh38, 1-based): chr17:61,849,226-61,849,227, TT deleted on the plus strand (AA on the coding strand, the reverse complement: BRIP1 is on the minus strand); deleting any 2 consecutive bases within chr17:61,849,226-61,849,228 gives the same sequence; the c. name uses the placement nearest the transcript's 3' end. VCF-style (leftmost placement, unchanged base first): chr17-61849225-CTT-C. GRCh37 (hg19) VCF-style: chr17-59926586-CTT-C.
Other names: short protein forms K137fs.
Identifiers: ClinVar variation 376794 (VCV000376794.13), dbSNP rs1057520058, ClinGen allele CA16603170.

ClinVar aggregate classification (germline): Pathogenic/Likely pathogenic. Review status: criteria provided, multiple submitters, no conflicts (2 of 4 stars). 4 submissions from 4 submitters: Pathogenic (3); Likely pathogenic (1). Last evaluated 2025-02-25.

Conditions:
Hereditary cancer-predisposing syndrome. Also called: Hereditary neoplastic syndrome; Tumor predisposition; Neoplastic Syndromes, Hereditary; Hereditary Cancer Syndrome. Identifiers: Orphanet 140162, MedGen C0027672, MeSH D009386, MONDO:0015356.
Familial cancer of breast. Also called: Hereditary breast cancer; BREAST CANCER, FAMILIAL; hereditary breast carcinoma. Identifiers: Orphanet 227535, MedGen C0346153, MONDO:0016419, OMIM 114480. Disease mechanism: loss of function.
Fanconi anemia complementation group J. Also called: BRIP1-Related Fanconi Anemia. Identifiers: Orphanet 84, MedGen C1836860, MONDO:0012187, OMIM 609054.

Submissions (4):

Labcorp Genetics (formerly Invitae), Labcorp
Classification: Pathogenic for Familial cancer of breast; Fanconi anemia complementation group J. Last evaluated: 2025-02-25. Review status: criteria provided, single submitter. Criteria: Invitae Variant Classification Sherloc (09022015). Collection method: clinical testing. Allele origin: germline.
Comment: This sequence change creates a premature translational stop signal (p.Lys137Valfs*4) in the BRIP1 gene. It is expected to result in an absent or disrupted protein product. Loss-of-function variants in BRIP1 are known to be pathogenic (PMID: 16116423, 17033622, 21964575). This variant is not present in population databases (gnomAD no frequency). This variant has not been reported in the literature in individuals affected with BRIP1-related conditions. ClinVar contains an entry for this variant (Variation ID: 376794). For these reasons, this variant has been classified as Pathogenic.

Myriad Genetics, Inc.
Classification: Pathogenic for Familial cancer of breast. Last evaluated: 2023-05-30. Review status: criteria provided, single submitter. Criteria: Myriad Autosomal Dominant, Autosomal Recessive and X-Linked Classification Criteria (2023). Collection method: clinical testing. Allele origin: unknown.
Comment: This variant is considered pathogenic. This variant creates a frameshift predicted to result in premature protein truncation.

Ambry Genetics
Classification: Pathogenic for Hereditary cancer-predisposing syndrome. Last evaluated: 2022-02-01. Review status: criteria provided, single submitter. Criteria: Ambry Variant Classification Scheme 2023. Collection method: clinical testing. Allele origin: germline.
Comment: The c.409_410delAA pathogenic mutation, located in coding exon 4 of the BRIP1 gene, results from a deletion of two nucleotides at nucleotide positions 409 to 410, causing a translational frameshift with a predicted alternate stop codon (p.K137Vfs*4). This variant is considered to be rare based on population cohorts in the Genome Aggregation Database (gnomAD). This alteration is expected to result in loss of function by premature protein truncation or nonsense-mediated mRNA decay. As such, this alteration is interpreted as a disease-causing mutation.

Center for Pediatric Genomic Medicine, Children's Mercy Hospital and Clinics
Classification: Likely pathogenic. Last evaluated: 2017-02-06. Review status: criteria provided, single submitter. Criteria: ACMG Guidelines, 2015. Collection method: clinical testing. Allele origin: germline.

Literature cited by the submitters: PubMed 16116423 (cited by Labcorp Genetics (formerly Invitae), Labcorp); PubMed 17033622 (cited by Labcorp Genetics (formerly Invitae), Labcorp); PubMed 21964575 (cited by Labcorp Genetics (formerly Invitae), Labcorp).